The following is an entry in ClinVar:

ClinVar aggregate classification (germline): Uncertain significance (1 of 4 stars; one submission).

Conditions:
Deafness-lymphedema-leukemia syndrome. Also called: Lymphedema, primary, with myelodysplasia; Emberger syndrome. Identifiers: Orphanet 3226, MedGen C3279664, MONDO:0013540, OMIM 614038.
Monocytopenia with susceptibility to infections. Also called: COMBINED IMMUNODEFICIENCY WITH SUSCEPTIBILITY TO MYCOBACTERIAL, VIRAL, AND FUNGAL INFECTIONS; MONOCYTOPENIA AND MYCOBACTERIAL INFECTION SYNDROME; MONOCYTOPENIA WITH SUSCEPTIBILITY TO MYCOBACTERIAL, FUNGAL, AND PAPILLOMAVIRUS INFECTIONS AND MYELODYSPLASIA; Dendritic cell, monocyte, B lymphocyte, and natural killer lymphocyte deficiency; GATA2 DEFICIENCY; IMMUNODEFICIENCY 21. Identifiers: Orphanet 228423, MedGen C3280030, MONDO:0013607, OMIM 614172.

Allele frequency attached by ClinVar (database versions not stated): gnomAD exomes below 0.00001.
gnomAD v4.1: 1 of 1,614,190 alleles (0.000062%); highest among the groups gnomAD compares: Admixed American, 0.0017%; no homozygotes.

Submission:

Labcorp Genetics (formerly Invitae), Labcorp
Classification: Uncertain significance for Monocytopenia with susceptibility to infections; Deafness-lymphedema-leukemia syndrome. Last evaluated: 2022-10-26. Review status: criteria provided, single submitter. Criteria: Invitae Variant Classification Sherloc (09022015). Collection method: clinical testing. Allele origin: germline.
Comment: This variant is not present in population databases (gnomAD no frequency). In summary, the available evidence is currently insufficient to determine the role of this variant in disease. Therefore, it has been classified as a Variant of Uncertain Significance. Advanced modeling of protein sequence and biophysical properties (such as structural, functional, and spatial information, amino acid conservation, physicochemical variation, residue mobility, and thermodynamic stability) has been performed at Invitae for this missense variant, however the output from this modeling did not meet the statistical confidence thresholds required to predict the impact of this variant on GATA2 protein function. This variant has not been reported in the literature in individuals affected with GATA2-related conditions. This sequence change replaces serine, which is neutral and polar, with threonine, which is neutral and polar, at codon 418 of the GATA2 protein (p.Ser418Thr).

NM_032638.5(GATA2):c.1252T>A (p.Ser418Thr)

Gene: GATA2 (GATA binding protein 2; minus strand). Cytogenetic location: 3q21.3.
Variant type: single nucleotide variant.
Coding change: c.1252T>A on transcript NM_032638.5 (MANE Select); coding-DNA position 1252, T replaced by A.
Protein change: p.Ser418Thr; replaces serine 418 with threonine.
Molecular consequence: missense variant.
Genome position (GRCh38, 1-based): chr3:128,481,210, A>T on the plus strand (T>A on the coding strand, the complement: GATA2 is on the minus strand). VCF-style: chr3-128481210-A-T. GRCh37 (hg19) VCF-style: chr3-128200053-A-T.
Other names: c.1252T>A, p.Ser418Thr (NM_001145661.2); c.1210T>A, p.Ser404Thr (NM_001145662.1); short protein forms S404T, S418T.
Identifiers: ClinVar variation 1938916 (VCV001938916.5), dbSNP rs2472919051, ClinGen allele CA354412977.